The following is an entry in ClinVar:

ClinVar aggregate classification (germline): Uncertain significance. Review status: criteria provided, multiple submitters, no conflicts (2 of 4 stars). 2 submissions from 2 submitters: Uncertain significance (2). Last evaluated 2025-11-13.

Conditions:
TSHZ1-related disorder. Also called: TSHZ1-related condition.

gnomAD v4.1: 105 of 1,574,808 alleles (0.0067%); highest among the groups gnomAD compares: Admixed American, 0.04%; no homozygotes.

Submissions (2):

PreventionGenetics, part of Exact Sciences
Classification: Uncertain significance for TSHZ1-related condition. Last evaluated: 2025-11-13. Review status: criteria provided, single submitter. Criteria: ACMG Guidelines, 2015. Collection method: clinical testing. Allele origin: germline.
Comment: The TSHZ1 c.2T>C variant is predicted to disrupt the translation initiation site (Start loss). To our knowledge, this variant has not been reported in the literature. This variant is reported in 0.027% of alleles in individuals of Latino descent in gnomAD. Although we suspect that this variant may be benign, at this time, the clinical significance of this variant is uncertain due to the absence of conclusive functional and genetic evidence.

Blueprint Genetics
Classification: Uncertain significance. Last evaluated: 2024-08-20. Review status: criteria provided, single submitter. Criteria: ACMG Guidelines, 2015. Collection method: clinical testing. Allele origin: germline.

NM_001308210.2(TSHZ1):c.137T>C (p.Met46Thr)

Gene: TSHZ1 (teashirt zinc finger homeobox 1; plus strand). Cytogenetic location: 18q22.3.
Variant type: single nucleotide variant.
Coding change: c.137T>C on transcript NM_001308210.2 (MANE Select); coding-DNA position 137, T replaced by C.
Protein change: p.Met46Thr; replaces methionine 46 with threonine.
Molecular consequence: missense variant. On other transcripts: initiator codon variant (1).
Genome position (GRCh38, 1-based): chr18:75,285,544, T>C. VCF-style: chr18-75285544-T-C. GRCh37 (hg19) VCF-style: chr18-72997499-T-C.
Other names: c.2T>C, p.Met1Thr (NM_005786.6); short protein forms M1T, M46T.
Identifiers: ClinVar variation 4939335 (VCV004939335.2), dbSNP rs199698194.